The following is an entry in ClinVar:

ClinVar aggregate classification (germline): Pathogenic (1 of 4 stars; one submission).

Conditions:
Wilson disease (WND). Also called: Wilson's disease. Identifiers: Orphanet 905, MedGen C0019202, MONDO:0010200, OMIM 277900. Disease mechanism: loss of function.

Submission:

Labcorp Genetics (formerly Invitae), Labcorp
Classification: Pathogenic for Wilson disease. Last evaluated: 2023-08-29. Review status: criteria provided, single submitter. Criteria: Invitae Variant Classification Sherloc (09022015). Collection method: clinical testing. Allele origin: unknown.
Comment: This variant is a gross deletion of the genomic region encompassing exon(s) 13-17 of the ATP7B gene. This variant would be expected to be in-frame, preserving the integrity of the reading frame. This variant has not been reported in the literature in individuals affected with ATP7B-related conditions. This variant disrupts a region of the ATP7B protein in which other variant(s) (p.Thr1232Pro) have been determined to be pathogenic (PMID: 15024742, 15337266, 15952988). This suggests that this is a clinically significant region of the protein, and that variants that disrupt it are likely to be disease-causing. For these reasons, this variant has been classified as Pathogenic.

Literature cited by the submitters: PubMed 15024742; PubMed 15337266; PubMed 15952988.

NC_000013.10:g.(?_52513167)_(52520634_?)del

Gene: ATP7B (ATPase copper transporting beta; minus strand). Cytogenetic location: 13q14.3.
Variant type: Deletion.
Identifiers: ClinVar variation 3244110 (VCV003244110.1).